The following is an entry in ClinVar:

ClinVar aggregate classification (germline): Uncertain significance (1 of 4 stars; one submission).

Conditions:
MHC class I deficiency. Identifiers: Orphanet 34592, MedGen C6024714, MONDO:0011476.

Allele frequency attached by ClinVar (database versions not stated): gnomAD 0.00001; gnomAD exomes 0.00001; TOPMed 0.00002; ESP Exome Variant Server 0.00008; ExAC 0.00001.
gnomAD v4.1: 10 of 1,613,410 alleles (0.00062%); highest among the groups gnomAD compares: Non-Finnish European, 0.00076%; no homozygotes.

Submission:

Labcorp Genetics (formerly Invitae), Labcorp
Classification: Uncertain significance for MHC class I deficiency 1. Last evaluated: 2023-08-04. Review status: criteria provided, single submitter. Criteria: Invitae Variant Classification Sherloc (09022015). Collection method: clinical testing. Allele origin: germline.
Comment: An algorithm developed to predict the effect of missense changes on protein structure and function (PolyPhen-2) suggests that this variant is likely to be disruptive. In summary, the available evidence is currently insufficient to determine the role of this variant in disease. Therefore, it has been classified as a Variant of Uncertain Significance. This variant has not been reported in the literature in individuals affected with TAPBP-related conditions. This sequence change replaces arginine, which is basic and polar, with tryptophan, which is neutral and slightly polar, at codon 57 of the TAPBP protein (p.Arg57Trp). This variant is present in population databases (rs370062943, gnomAD 0.002%).

NM_003190.5(TAPBP):c.169C>T (p.Arg57Trp)

Gene: TAPBP (TAP binding protein; minus strand). Cytogenetic location: 6p21.32.
Variant type: single nucleotide variant.
Coding change: c.169C>T on transcript NM_003190.5 (MANE Select); coding-DNA position 169, C replaced by T.
Protein change: p.Arg57Trp; replaces arginine 57 with tryptophan.
Molecular consequence: missense variant.
Genome position (GRCh38, 1-based): chr6:33,313,733, G>A on the plus strand (C>T on the coding strand, the complement: TAPBP is on the minus strand). VCF-style: chr6-33313733-G-A. GRCh37 (hg19) VCF-style: chr6-33281510-G-A.
Other names: c.169C>T, p.Arg57Trp (NM_001410875.1, NM_172208.3, NM_172209.3); short protein forms R57W.
Identifiers: ClinVar variation 2898931 (VCV002898931.3), dbSNP rs370062943, ClinGen allele CA3755955.